The following is an entry in ClinVar:

ClinVar aggregate classification (germline): Pathogenic (1 of 4 stars; one submission).

Conditions:
Familial Mediterranean fever (FMF). Also called: POLYSEROSITIS, FAMILIAL PAROXYSMAL; POLYSEROSITIS, RECURRENT; Periodic peritonitis; Benign paroxysmal peritonitis. Identifiers: Orphanet 342, MedGen C0031069, MONDO:0018088, OMIM 249100. Disease mechanism: gain of function.

Submission:

Labcorp Genetics (formerly Invitae), Labcorp
Classification: Pathogenic for Familial Mediterranean fever. Last evaluated: 2019-05-14. Review status: criteria provided, single submitter. Criteria: Invitae Variant Classification Sherloc (09022015). Collection method: clinical testing. Allele origin: germline.
Comment: This sequence change creates a premature translational stop signal (p.Ala89Glnfs*30) in the MEFV gene. It is expected to result in an absent or disrupted protein product. This variant is not present in population databases (ExAC no frequency). This variant has not been reported in the literature in individuals with MEFV-related conditions. Loss-of-function variants in MEFV are known to be pathogenic (PMID: 23226472, 24469716, 28690860). For these reasons, this variant has been classified as Pathogenic.

NM_000243.3(MEFV):c.265del (p.Ala89fs)

Gene: MEFV (MEFV innate immunity regulator, pyrin; minus strand). Cytogenetic location: 16p13.3.
Variant type: Deletion.
Coding change: c.265del on transcript NM_000243.3 (MANE Select); coding-DNA position 265, one base deleted (G; older notation c.265delG).
Protein change: p.Ala89fs; shifts the reading frame from alanine 89.
Molecular consequence: frameshift variant.
Genome position (GRCh38, 1-based): chr16:3,256,323, C deleted on the plus strand (G on the coding strand, the reverse complement: MEFV is on the minus strand); the first of 3 consecutive C bases (chr16:3,256,323-3,256,325); deleting any one gives the same sequence. VCF-style (leftmost placement, unchanged base first): chr16-3256322-GC-G. GRCh37 (hg19) VCF-style: chr16-3306322-GC-G.
Other names: c.265del, p.Ala89fs (NM_001198536.2); short protein forms A89fs.
Identifiers: ClinVar variation 966299 (VCV000966299.1), dbSNP rs1959114278, ClinGen allele CA1139664441.